The following is an entry in ClinVar:

ClinVar aggregate classification (germline): Likely pathogenic (1 of 4 stars; one submission).

Conditions:
Autosomal recessive limb-girdle muscular dystrophy type 2J (LGMDR10). Also called: Limb-girdle muscular dystrophy, type 2J; MUSCULAR DYSTROPHY, LIMB-GIRDLE, AUTOSOMAL RECESSIVE 10. Identifiers: Orphanet 140922, MedGen C1837342, MONDO:0012127, OMIM 608807.
Dilated cardiomyopathy 1G (CMD1G). Identifiers: Orphanet 154, MedGen C1858763, MONDO:0011400, OMIM 604145.

Allele frequency attached by ClinVar (database versions not stated): TOPMed below 0.00001; gnomAD 0.00001.
gnomAD v4.1: 2 of 1,499,820 alleles (0.00013%); highest among the groups gnomAD compares: Non-Finnish European, 0.00018%; no homozygotes.

Submission:

Labcorp Genetics (formerly Invitae), Labcorp
Classification: Likely pathogenic for Dilated cardiomyopathy 1G; Autosomal recessive limb-girdle muscular dystrophy type 2J. Last evaluated: 2024-10-18. Review status: criteria provided, single submitter. Criteria: Invitae Variant Classification Sherloc (09022015). Collection method: clinical testing. Allele origin: germline.
Comment: This sequence change affects a donor splice site in intron 213 of the TTN gene. It is expected to disrupt RNA splicing and likely results in a truncated or disrupted TTN protein. This variant is present in population databases (no rsID available, gnomAD no frequency). This variant has not been reported in the literature in individuals affected with TTN-related conditions. ClinVar contains an entry for this variant (Variation ID: 2170186). Algorithms developed to predict the effect of sequence changes on RNA splicing suggest that this variant may disrupt the consensus splice site. This variant is located in the I band of TTN (PMID: 25589632). Truncating variants in this region have been reported in individuals affected with autosomal recessive centronuclear myopathy (PMID: 23975875, internal data). Truncating variants in this region have also been identified in individuals affected with autosomal dominant dilated cardiomyopathy and/or cardio-related conditions (PMID: 27869827, 32964742, internal data). In summary, the currently available evidence indicates that the variant is pathogenic, but additional data are needed to prove that conclusively. Therefore, this variant has been classified as Likely Pathogenic.

Literature cited by the submitters: PubMed 25589632; PubMed 23975875; PubMed 27869827; PubMed 32964742.

NM_001267550.2(TTN):c.40057+1G>A

Gene: TTN (titin; minus strand). Cytogenetic location: 2q31.2.
Variant type: single nucleotide variant.
Coding change: c.40057+1G>A on transcript NM_001267550.2 (MANE Select); the canonical splice donor site of the intron after coding-DNA position 40057, G replaced by A.
Molecular consequence: splice donor variant. On other transcripts: intron variant (5).
Genome position (GRCh38, 1-based): chr2:178,649,247, C>T on the plus strand (G>A on the coding strand, the complement: TTN is on the minus strand). VCF-style: chr2-178649247-C-T. GRCh37 (hg19) VCF-style: chr2-179513974-C-T.
Other names: c.13283-6930G>A (NM_003319.4); c.13859-6930G>A (NM_133437.4); c.13658-6930G>A (NM_133432.3); c.32593+570G>A (NM_133378.4); c.35374+570G>A (NM_001256850.1).
Identifiers: ClinVar variation 2170186 (VCV002170186.4), dbSNP rs1221769715, ClinGen allele CA349445563.